The following is an entry in ClinVar:

NM_001851.6(COL9A1):c.1230+12_1230+13delinsCT

Gene: COL9A1 (collagen type IX alpha 1 chain; minus strand). Cytogenetic location: 6q13.
Variant type: Indel.
Coding change: c.1230+12_1230+13delinsCT on transcript NM_001851.6 (MANE Select); bases 12 to 13 of the intron after coding-DNA position 1230, TC replaced by CT.
Molecular consequence: intron variant.
Genome position (GRCh38, 1-based): chr6:70,269,620-70,269,621, GA replaced by AG on the plus strand (TC replaced by CT on the coding strand, the reverse complement: COL9A1 is on the minus strand). VCF-style: chr6-70269620-GA-AG. GRCh37 (hg19) VCF-style: chr6-70979323-GA-AG.
Other names: c.501+12_501+13delinsCT (NM_001377290.1, NM_078485.4, NM_001377289.1).
Identifiers: ClinVar variation 1934574 (VCV001934574.2), dbSNP rs2483392378, ClinGen allele CA2580075710.

ClinVar aggregate classification (germline): Uncertain significance (1 of 4 stars; one submission).

Submission:

Labcorp Genetics (formerly Invitae), Labcorp
Classification: Uncertain significance. Last evaluated: 2022-08-08. Review status: criteria provided, single submitter. Criteria: Invitae Variant Classification Sherloc (09022015). Collection method: clinical testing. Allele origin: germline.
Comment: This sequence change falls in intron 16 of the COL9A1 gene. It does not directly change the encoded amino acid sequence of the COL9A1 protein. Information on the frequency of this variant in the gnomAD database is not available, as this variant may be reported differently in the database. This variant has not been reported in the literature in individuals affected with COL9A1-related conditions. Experimental studies and prediction algorithms are not available or were not evaluated, and the effect of this variant on mRNA splicing is currently unknown. In summary, the available evidence is currently insufficient to determine the role of this variant in disease. Therefore, it has been classified as a Variant of Uncertain Significance.